The following is an entry in ClinVar:

NM_000412.5(HRG):c.393C>A (p.Val131=)

Gene: HRG (histidine rich glycoprotein; plus strand). Cytogenetic location: 3q27.3.
Variant type: single nucleotide variant.
Coding change: c.393C>A on transcript NM_000412.5 (MANE Select); coding-DNA position 393, C replaced by A.
Protein change: p.Val131=; no amino-acid change (valine 131 retained).
Molecular consequence: synonymous variant.
Genome position (GRCh38, 1-based): chr3:186,671,624, C>A. VCF-style: chr3-186671624-C-A. GRCh37 (hg19) VCF-style: chr3-186389413-C-A.
Identifiers: ClinVar variation 720919 (VCV000720919.5), dbSNP rs140228181, ClinGen allele CA2745650.

ClinVar aggregate classification (germline): Benign/Likely benign. Review status: criteria provided, multiple submitters, no conflicts (2 of 4 stars). 3 submissions from 3 submitters: Benign (2); Likely benign (1). Last evaluated 2026-09-01.

Allele frequency attached by ClinVar (database versions not stated): gnomAD exomes 0.00041 and 0.00102; ExAC 0.00129; gnomAD 0.00418 and 0.00449; 1000 Genomes Project 0.00419; 1000 Genomes Project 30x 0.00422; TOPMed 0.00462; ESP Exome Variant Server 0.00469.
gnomAD v4.1: 1,246 of 1,613,700 alleles (0.077%); highest among the groups gnomAD compares: African/African-American, 1.5%; 6 homozygotes.

Submissions (3):

CeGaT Center for Human Genetics Tuebingen
Classification: Likely benign. Last evaluated: 2026-09-01. Review status: criteria provided, single submitter. Criteria: CeGaT Center For Human Genetics Tuebingen Variant Classification Criteria Version 2. Collection method: clinical testing. Allele origin: germline. Affected: yes. Observed: 1 variant allele.
Comment: HRG: BP4, BP7, BS1

Labcorp Genetics (formerly Invitae), Labcorp
Classification: Benign. Last evaluated: 2017-12-09. Review status: criteria provided, single submitter. Criteria: Invitae Variant Classification Sherloc (09022015). Collection method: clinical testing. Allele origin: germline.

Breakthrough Genomics
Classification: Benign. Review status: criteria provided, single submitter. Criteria: ACMG Guidelines, 2015. Collection method: not provided. Allele origin: germline. Inheritance: Autosomal dominant inheritance. Affected: yes.